The following is an entry in ClinVar:

NM_000517.6(HBA2):c.131_242del (p.Phe44fs)

Genes: HBA2 (hemoglobin subunit alpha 2; plus strand), LOC106804612 (hemoglobin subunit alpha 2 recombination region; plus strand). Cytogenetic location: 16p13.3.
Variant type: Deletion.
Coding change: c.131_242del on transcript NM_000517.6 (MANE Select); coding-DNA positions 131 to 242, 112 bases deleted.
Protein change: p.Phe44fs; shifts the reading frame from phenylalanine 44.
Molecular consequence: frameshift variant.
Genome position (GRCh38, 1-based): chr16:173,160-173,271, 112 bases deleted. GRCh37 (hg19): chr16:223,159-223,270.
Other names: short protein forms F44fs.
Identifiers: ClinVar variation 4818621 (VCV004818621.1).

ClinVar aggregate classification (germline): Likely pathogenic (1 of 4 stars; one submission).

Conditions:
alpha Thalassemia. Also called: Alpha thalassemia spectrum. Identifiers: Orphanet 846, MedGen C0002312, MONDO:0011399, OMIM 604131.

Submission:

Natera, Inc.
Classification: Likely pathogenic for Alpha thalassemia. Last evaluated: 2026-01-06. Review status: criteria provided, single submitter. Criteria: Natera Variant Classification Schema (03/2026). Collection method: clinical testing. Allele origin: germline.
Comment: The c.131_242del variant in HBA2 is a frameshift variant predicted to shift the reading frame beginning at codon 44 and leads to a stop codon 4 codons downstream. This variant is expected to result in nonsense mediated decay, truncation, or a dysfunctional protein product. This variant is rare in the general population with a frequency below the threshold expected for the associated phenotype(s). Given the available evidence, this variant is classified as Likely Pathogenic.